The following is an entry in ClinVar:

NM_138701.4(MPLKIP):c.339G>A (p.Gln113=)

Gene: MPLKIP (M-phase specific PLK1 interacting protein; minus strand). Cytogenetic location: 7p14.1.
Variant type: single nucleotide variant.
Coding change: c.339G>A on transcript NM_138701.4 (MANE Select); coding-DNA position 339, G replaced by A.
Protein change: p.Gln113=; no amino-acid change (glutamine 113 retained).
Molecular consequence: synonymous variant.
Genome position (GRCh38, 1-based): chr7:40,134,229, C>T on the plus strand (G>A on the coding strand, the complement: MPLKIP is on the minus strand). VCF-style: chr7-40134229-C-T. GRCh37 (hg19) VCF-style: chr7-40173828-C-T.
Identifiers: ClinVar variation 4528345 (VCV004528345.1).

ClinVar aggregate classification (germline): Pathogenic (1 of 4 stars; one submission).

Conditions:
Trichothiodystrophy 4, nonphotosensitive. Also called: HAIR-BRAIN SYNDROME; Trichothiodystrophy nonphotosensitive; AMISH BRITTLE HAIR BRAIN SYNDROME; BIDS SYNDROME. Identifiers: MedGen C1313961, MONDO:0021013, OMIM 234050.

Submission:

Equipe Genetique des Anomalies du Developpement, Université de Bourgogne
Classification: Pathogenic for Trichothiodystrophy 4, nonphotosensitive. Last evaluated: 2025-10-09. Review status: criteria provided, single submitter. Criteria: ACMG Guidelines, 2015. Collection method: clinical testing. Allele origin: maternal. Affected: yes.
Comment: The variant, NP_619646.1:p.(Gln113=), is absent from the gnomAD v4.1.0 database and affects a moderately conserved amino acid. Despite being synonymous, in silico splicing prediction tools indicate a deleterious effect on splicing, with a high likelihood of disruption of the exon 1 donor site, potentially affecting proper mRNA processing. Biallelic pathogenic variants in MPLKIP are associated with non-photosensitive trichothiodystrophy type 4 (OMIM #234050), an autosomal recessive disorder characterized by short stature, microcephaly, neurodevelopmental delay, hypotonia, ophthalmologic abnormalities, and hair shaft defects. Based on current evidence, this variant is classified as pathogenic (Class 5, ACMG criteria) in a biallelic context.